The following is an entry in ClinVar:

NM_182961.4(SYNE1):c.5230G>A (p.Glu1744Lys)

Gene: SYNE1 (spectrin repeat containing nuclear envelope protein 1; minus strand). Cytogenetic location: 6q25.2.
Variant type: single nucleotide variant.
Coding change: c.5230G>A on transcript NM_182961.4 (MANE Select); coding-DNA position 5230, G replaced by A.
Protein change: p.Glu1744Lys; replaces glutamic acid 1744 with lysine.
Molecular consequence: missense variant.
Genome position (GRCh38, 1-based): chr6:152,425,418, C>T on the plus strand (G>A on the coding strand, the complement: SYNE1 is on the minus strand). VCF-style: chr6-152425418-C-T. GRCh37 (hg19) VCF-style: chr6-152746553-C-T.
Other names: c.5251G>A, p.Glu1751Lys (NM_033071.5); short protein forms E1751K, E1744K.
Identifiers: ClinVar variation 577547 (VCV000577547.9), dbSNP rs540091060, ClinGen allele CA4058340.

ClinVar aggregate classification (germline): Uncertain significance. Review status: criteria provided, multiple submitters, no conflicts (2 of 4 stars). 4 submissions from 4 submitters: Uncertain significance (4). Last evaluated 2022-08-23.

Conditions:
Autosomal recessive ataxia, Beauce type. Also called: ATAXIA, RECESSIVE, OF BEAUCE; Spinocerebellar ataxia, autosomal recessive 8; SYNE1 Deficiency; SYNE1-Related Autosomal Recessive Cerebellar Ataxia. Identifiers: Orphanet 88644, MedGen C1853116, MONDO:0012549, OMIM 610743.
Emery-Dreifuss muscular dystrophy 4, autosomal dominant (EDMD4). Also called: EMERY-DREIFUSS MUSCULAR DYSTROPHY 4 WITH VARIABLE FEATURES. Identifiers: Orphanet 261, MedGen C2751807, MONDO:0013071, OMIM 612998.

Allele frequency attached by ClinVar (database versions not stated): ExAC 0.00001; gnomAD exomes 0.00002; gnomAD 0.00004 and 0.00005; TOPMed 0.00004; 1000 Genomes Project 30x 0.00016; 1000 Genomes Project 0.00020.
gnomAD v4.1: 17 of 1,614,214 alleles (0.0011%); highest among the groups gnomAD compares: Admixed American, 0.015%; no homozygotes.

Submissions (4):

Labcorp Genetics (formerly Invitae), Labcorp
Classification: Uncertain significance for Emery-Dreifuss muscular dystrophy 4, autosomal dominant; Autosomal recessive ataxia, Beauce type. Last evaluated: 2022-08-23. Review status: criteria provided, single submitter. Criteria: Invitae Variant Classification Sherloc (09022015). Collection method: clinical testing. Allele origin: germline.
Comment: Algorithms developed to predict the effect of missense changes on protein structure and function are either unavailable or do not agree on the potential impact of this missense change (SIFT: "Deleterious"; PolyPhen-2: "Benign"; Align-GVGD: "Class C0"). In summary, the available evidence is currently insufficient to determine the role of this variant in disease. Therefore, it has been classified as a Variant of Uncertain Significance. ClinVar contains an entry for this variant (Variation ID: 577547). This variant has not been reported in the literature in individuals affected with SYNE1-related conditions. This variant is present in population databases (rs540091060, gnomAD 0.009%). This sequence change replaces glutamic acid, which is acidic and polar, with lysine, which is basic and polar, at codon 1751 of the SYNE1 protein (p.Glu1751Lys).

Blueprint Genetics
Classification: Uncertain significance. Last evaluated: 2019-11-19. Review status: criteria provided, single submitter. Criteria: ACMG Guidelines, 2015. Collection method: clinical testing. Allele origin: germline.

Athena Diagnostics
Classification: Uncertain significance. Last evaluated: 2019-05-23. Review status: criteria provided, single submitter. Criteria: Athena Diagnostics Criteria. Collection method: clinical testing. Allele origin: germline.

Fulgent Genetics
Classification: Uncertain significance for Autosomal recessive ataxia, Beauce type; Emery-Dreifuss muscular dystrophy 4, autosomal dominant. Last evaluated: 2018-10-31. Review status: criteria provided, single submitter. Criteria: ACMG Guidelines, 2015. Collection method: clinical testing. Allele origin: unknown.